The following is an entry in ClinVar:

ClinVar aggregate classification (germline): Uncertain significance (1 of 4 stars; one submission).

Allele frequency attached by ClinVar (database versions not stated): gnomAD exomes below 0.00001; TOPMed 0.00001.
gnomAD v4.1: 1 of 1,614,024 alleles (0.000062%); highest among the groups gnomAD compares: Non-Finnish European, 0.000085%; no homozygotes.

Submission:

GeneDx
Classification: Uncertain significance. Last evaluated: 2026-07-29. Review status: criteria provided, single submitter. Criteria: GeneDx Variant Classification Process June 2021. Collection method: clinical testing. Allele origin: germline.
Comment: Not observed at significant frequency in large population cohorts (gnomAD); In silico analysis supports that this missense variant has a deleterious effect on protein structure/function; Has not been previously published as pathogenic or benign to our knowledge

NM_001374353.1(GLI2):c.1523G>A (p.Arg508Gln)

Gene: GLI2 (GLI family zinc finger 2; plus strand). Cytogenetic location: 2q14.2.
Variant type: single nucleotide variant.
Coding change: c.1523G>A on transcript NM_001374353.1 (MANE Select); coding-DNA position 1523, G replaced by A.
Protein change: p.Arg508Gln; replaces arginine 508 with glutamine.
Molecular consequence: missense variant.
Genome position (GRCh38, 1-based): chr2:120,982,771, G>A. VCF-style: chr2-120982771-G-A. GRCh37 (hg19) VCF-style: chr2-121740347-G-A.
Other names: c.1574G>A, p.Arg525Gln (NM_001371271.1, NM_005270.5); c.1148G>A, p.Arg383Gln (NM_001374354.1); short protein forms R383Q, R508Q, R525Q.
Identifiers: ClinVar variation 2497866 (VCV002497866.2), dbSNP rs1335900744, ClinGen allele CA348162117.
Genomic context (GRCh38, chr2:120,982,771, plus strand): 5'-TCTAGTTCGAGGGCTGCTCGAAGGCCTACTCCCGCCTGGAGAACCTGAAGACACACCTGC[G>A]GTCCCACACCGGGGAGAAGCCATATGTGTGTGAGCACGAGGGCTGCAACAAAGCCTTCTC-3'
Protein context (NP_001361282.1, residues 498-518): SRLENLKTHL[Arg508Gln]SHTGEKPYVC